The following is an entry in ClinVar:

NM_001282531.3(ADNP):c.2156dup (p.Tyr719Ter)

Gene: ADNP (activity dependent neuroprotector homeobox; minus strand). Cytogenetic location: 20q13.13.
Variant type: Duplication.
Coding change: c.2156dup on transcript NM_001282531.3 (MANE Select); coding-DNA position 2156, one base duplicated (A; older notation c.2156dupA).
Protein change: p.Tyr719Ter; replaces tyrosine 719 with a stop codon.
Molecular consequence: nonsense.
Genome position (GRCh38, 1-based): chr20:50,892,558, T duplicated on the plus strand (A on the coding strand, the reverse complement: ADNP is on the minus strand). VCF-style (leftmost placement, unchanged base first): chr20-50892557-G-GT. GRCh37 (hg19) VCF-style: chr20-49509094-G-GT.
Other names: c.2156dup, p.Tyr719Ter (NM_001282532.2, NM_001347511.2, NM_015339.5 and 1 more transcripts); c.2156dup (NM_015339.2, NM_181442.3); short protein forms Y719*.
Identifiers: ClinVar variation 190278 (VCV000190278.46), dbSNP rs1135401808, ClinGen allele CA645373280.
Genomic context (GRCh38, chr20:50,892,557, plus strand): 5'-GGGTGAATCACTATCATCATCTAACTTTCGTTTTTTCAGTAAGGGAAATTCCATTTGCTC[G>GT]TAAGTGCGCTTCACAGGTGCCAGACTTGGAGACTGATTAAGCCGAGAGGGTGCATTTGTC-3'

ClinVar aggregate classification (germline): Pathogenic/Likely pathogenic. Review status: criteria provided, multiple submitters, no conflicts (2 of 4 stars). 15 submissions from 15 submitters: Pathogenic (10); Likely pathogenic (1). 4 of the submissions do not count toward it. Last evaluated 2024-05-01.

Conditions:
Neurodevelopmental disorder. Identifiers: MedGen C1535926, MeSH D065886, MONDO:0700092.
ADNP-related multiple congenital anomalies - intellectual disability - autism spectrum disorder. Also called: Helsmoortel-Van der Aa Syndrome; ADNP-Related Helsmoortel-Van der Aa Syndrome. Identifiers: Orphanet 404448, MedGen C4014538, MONDO:0014379, OMIM 615873. Disease mechanism: loss of function.
Inborn genetic diseases. Identifiers: MedGen C0950123, MeSH D030342.
Intellectual disability. Also called: Intellectual developmental disorder; Intellectual functioning disability; intellectual disabilities. Identifiers: MedGen C3714756, MeSH D008607, MONDO:0001071, HP:0001249.

Submissions (15):

CeGaT Center for Human Genetics Tuebingen
Classification: Pathogenic. Last evaluated: 2024-05-01. Review status: criteria provided, single submitter. Criteria: CeGaT Center For Human Genetics Tuebingen Variant Classification Criteria Version 2. Collection method: clinical testing. Allele origin: germline. Affected: yes. Observed: 1 variant allele.
Comment: ADNP: PS2:Very Strong, PVS1:Strong, PM2, PS4:Moderate, PS3:Supporting

GeneDx
Classification: Pathogenic. Last evaluated: 2022-07-26. Review status: criteria provided, single submitter. Criteria: GeneDx Variant Classification Process June 2021. Collection method: clinical testing. Allele origin: germline. Affected: yes.
Comment: Published functional studies demonstrate a damaging effect (Ivashko-Pachima Y et al., 2019); Not observed in large population cohorts (gnomAD); Nonsense variant in the C-terminus predicted to result in protein truncation, as the last 384 amino acids are lost, and other loss-of-function variants have been reported downstream in the Human Gene Mutation Database (HGMD); This variant is associated with the following publications: (PMID: 31332282, 28221363, 24531329, 29724491, 29911927, 28135719, 30679581, 31035039, 28708303, 31981491, 33673501, 31664177, 23160955, 31526516, 32758449, 32410215, 33004838, 24077912, 31785789)

Clinical Genetics Laboratory, Skane University Hospital Lund
Classification: Pathogenic. Last evaluated: 2022-05-27. Review status: criteria provided, single submitter. Criteria: ACMG Guidelines, 2015. Collection method: clinical testing. Allele origin: germline. Affected: yes.

Laboratory of Molecular Genetics (Pr. Bezieau's lab), CHU de Nantes
Classification: Pathogenic for Neurodevelopmental disorder. Last evaluated: 2021-12-17. Review status: criteria provided, single submitter. Criteria: ACMG Guidelines, 2015. Collection method: clinical testing. Allele origin: germline. Affected: yes.

Institute of Medical Genetics and Applied Genomics, University Hospital Tübingen
Classification: Pathogenic. Last evaluated: 2020-10-23. Review status: criteria provided, single submitter. Criteria: ACMG Guidelines, 2015. Collection method: clinical testing. Allele origin: germline. Inheritance: Unknown mechanism. Affected: yes.

Labcorp Genetics (formerly Invitae), Labcorp
Classification: Pathogenic. Last evaluated: 2019-10-30. Review status: criteria provided, single submitter. Criteria: Invitae Variant Classification Sherloc (09022015). Collection method: clinical testing. Allele origin: germline.
Comment: This sequence change results in a premature translational stop signal in the ADNP gene (p.Tyr719*). While this is not anticipated to result in nonsense mediated decay, it is expected to disrupt the last 384 amino acids of the ADNP protein. This variant is not present in population databases (ExAC no frequency). This variant has been observed in individual(s) with Helsmoortel-van der Aa syndrome (PMID: 28221363, 28708303). In at least one individual the variant was observed to be de novo. ClinVar contains an entry for this variant (Variation ID: 190278). This variant has been reported to affect ADNP protein function (PMID: 29911927). For these reasons, this variant has been classified as Pathogenic.

Mendelics
Classification: Likely pathogenic for ADNP-related multiple congenital anomalies - intellectual disability - autism spectrum disorder. Last evaluated: 2019-05-28. Review status: criteria provided, single submitter. Criteria: Mendelics Assertion Criteria 2017. Collection method: clinical testing. Allele origin: unknown.

Institute of Human Genetics, University of Leipzig Medical Center
Classification: Pathogenic for ADNP-related multiple congenital anomalies - intellectual disability - autism spectrum disorder. Last evaluated: 2019-01-01. Review status: criteria provided, single submitter. Criteria: ACMG Guidelines, 2015. Collection method: clinical testing. Allele origin: unknown. Affected: yes.

Ambry Genetics
Classification: Pathogenic for Inborn genetic diseases. Last evaluated: 2018-12-13. Review status: criteria provided, single submitter. Criteria: Ambry Variant Classification Scheme 2023. Collection method: clinical testing. Allele origin: germline.
Comment: The c.2156dupA pathogenic mutation, located in coding exon 3 of the ADNP gene, results from a duplication of A at nucleotide position 2156. This changes the amino acid from a tyrosine to a stop codon within coding exon 3 (p.Y719*). This mutation has been detected as de novo occurrences in multiple individuals in the literature with autism, various types of developmental delays, intellectual disability, and dysmorphic features (Gozes I et al. Transl Psychiatry, 2017 02;7:e1043; Gozes I et al. Front Endocrinol (Lausanne), 2017 May;8:107; Van Dijck A et al. Biol. Psychiatry, 2018 Mar; Helsmoortel C et al. Nat. Genet., 2014 Apr;46:380-4; Pescosolido MF et al. J. Med. Genet., 2014 Sep;51:587-9; O'Roak BJ et al. Science, 2012 Dec;338:1619-22; Ch&eacute;rot E et al. Clin. Genet., 2018 Mar;93:567-576).This alteration is expected to result in loss of function by premature protein truncation or nonsense-mediated mRNA decay. As such, this alteration is interpreted as a disease-causing mutation.

Groupe Hospitalier Pitie Salpetriere, Uf Genomique Du Developpement, Assistance Publique Hopitaux de Paris Sorbonne Université
Classification: Pathogenic for Helsmoortel-van der Aa syndrome. Last evaluated: 2017-01-06. Review status: criteria provided, single submitter. Criteria: ACMG Guidelines, 2015. Collection method: clinical testing. Allele origin: de novo. Affected: yes. Observed: 1 variant allele.
Comment: Intellectual disability, severe; antenatal cerebral ventriculomegaly; aggressive behaviour; small stature; probable neuropathy; stereotypies; dental disease; dysmorphism

Equipe Genetique des Anomalies du Developpement, Université de Bourgogne
Classification: Pathogenic for ADNP-related multiple congenital anomalies - intellectual disability - autism spectrum disorder. Last evaluated: 2015-01-01. Review status: criteria provided, single submitter. Criteria: ACMG Guidelines, 2007. Collection method: clinical testing. Allele origin: de novo. Affected: yes.

Diagnostic Laboratory, Strasbourg University Hospital
Classification: Pathogenic for Intellectual disability. Last evaluated: 2017-12-01. Review status: no assertion criteria provided. Collection method: clinical testing. Allele origin: de novo. Affected: yes. Observed: 1 heterozygote. Not counted in ClinVar's aggregate classification.

OMIM
Classification: Pathogenic for HELSMOORTEL-VAN DER AA SYNDROME. Last evaluated: 2015-03-12. Review status: no assertion criteria provided. Collection method: literature only. Allele origin: germline. Not counted in ClinVar's aggregate classification.

Clinical Genetics DNA and cytogenetics Diagnostics Lab, Erasmus MC, Erasmus Medical Center
Classification: Pathogenic. Review status: no assertion criteria provided. Collection method: clinical testing. Allele origin: germline. Affected: yes. Study: VKGL Data-share Consensus. Not counted in ClinVar's aggregate classification.

Genome Diagnostics Laboratory, Amsterdam University Medical Center
Classification: Pathogenic. Review status: no assertion criteria provided. Collection method: clinical testing. Allele origin: germline. Affected: yes. Study: VKGL Data-share Consensus. Not counted in ClinVar's aggregate classification.

Literature cited by the submitters: PubMed 28221363 (cited by Labcorp Genetics (formerly Invitae), Labcorp and Ambry Genetics); PubMed 28708303 (cited by 3 submitters); PubMed 29911927 (cited by Labcorp Genetics (formerly Invitae), Labcorp); PubMed 23160955 (cited by Ambry Genetics); PubMed 24531329 (cited by Ambry Genetics); PubMed 25057125 (cited by Ambry Genetics); PubMed 28579975 (cited by Ambry Genetics); PubMed 29724491 (cited by Ambry Genetics); PubMed 25533962 (cited by OMIM).